The following is an entry in ClinVar:

NM_001267550.2(TTN):c.68189T>C (p.Leu22730Pro)

Genes: TTN (titin; minus strand), TTN-AS1 (TTN antisense RNA 1; plus strand), LOC126806423 (CDK7 strongly-dependent group 2 enhancer GRCh37_chr2:179443309-179444508; plus strand). Cytogenetic location: 2q31.2.
Variant type: single nucleotide variant.
Coding change: c.68189T>C on transcript NM_001267550.2 (MANE Select); coding-DNA position 68189, T replaced by C.
Protein change: p.Leu22730Pro; replaces leucine 22730 with proline.
Molecular consequence: missense variant.
Genome position (GRCh38, 1-based): chr2:178,578,841, A>G on the plus strand (T>C on the coding strand, the complement: TTN is on the minus strand). VCF-style: chr2-178578841-A-G. GRCh37 (hg19) VCF-style: chr2-179443568-A-G.
Other names: c.63266T>C, p.Leu21089Pro (NM_001256850.1); c.40994T>C, p.Leu13665Pro (NM_003319.4); c.60485T>C, p.Leu20162Pro (NM_133378.4); c.41369T>C, p.Leu13790Pro (NM_133432.3); c.41570T>C, p.Leu13857Pro (NM_133437.4); short protein forms L13665P, L13790P, L13857P, L20162P, L21089P, L22730P.
Identifiers: ClinVar variation 2637059 (VCV002637059.1), dbSNP rs2468857339, ClinGen allele CA349421213.
Genomic context (GRCh38, chr2:178,578,841, plus strand): 5'-CGTCTTCTGAATTTAAGACACTTACCAAATGGATGTCTCGCAACAATTGGCTCCGATTTC[A>G]GGCCTTCCCCTACACCATATTTATTTTCGGCACTGACCCTGAAGGTATATTCCATGCCCT-3'
Protein context (NP_001254479.2, residues 22720-22740): AENKYGVGEG[Leu22730Pro]KSEPIVARHP

ClinVar aggregate classification (germline): Uncertain significance (1 of 4 stars; one submission).

Conditions:
TTN-related disorder. Also called: TTN-related condition; TTN-related disease; TTN-related disorders.

Submission:

PreventionGenetics, part of Exact Sciences
Classification: Uncertain significance for TTN-related condition. Last evaluated: 2022-10-21. Review status: criteria provided, single submitter. Criteria: ACMG Guidelines, 2015. Collection method: clinical testing. Allele origin: germline.
Comment: The TTN c.68189T>C variant is predicted to result in the amino acid substitution p.Leu22730Pro. To our knowledge, this variant has not been reported in the literature or in a large population database, indicating this variant is rare. At this time, the clinical significance of this variant is uncertain due to the absence of conclusive functional and genetic evidence.